The following is an entry in ClinVar:

ClinVar aggregate classification (germline): Uncertain significance (1 of 4 stars; one submission).

Submission:

Athena Diagnostics
Classification: Uncertain significance. Last evaluated: 2023-07-14. Review status: criteria provided, single submitter. Criteria: Athena Diagnostics Criteria. Collection method: clinical testing. Allele origin: unknown.
Comment: Available data are insufficient to determine the clinical significance of the variant at this time. This variant has not been reported in large, multi-ethnic general populations. Computational tools disagree on the variant's effect on normal protein function.

NM_182961.4(SYNE1):c.16717C>G (p.Leu5573Val)

Gene: SYNE1 (spectrin repeat containing nuclear envelope protein 1; minus strand). Cytogenetic location: 6q25.2.
Variant type: single nucleotide variant.
Coding change: c.16717C>G on transcript NM_182961.4 (MANE Select); coding-DNA position 16717, C replaced by G.
Protein change: p.Leu5573Val; replaces leucine 5573 with valine.
Molecular consequence: missense variant.
Genome position (GRCh38, 1-based): chr6:152,310,867, G>C on the plus strand (C>G on the coding strand, the complement: SYNE1 is on the minus strand). VCF-style: chr6-152310867-G-C. GRCh37 (hg19) VCF-style: chr6-152632002-G-C.
Other names: c.16504C>G, p.Leu5502Val (NM_033071.5); short protein forms L5502V, L5573V.
Identifiers: ClinVar variation 2684035 (VCV002684035.1), dbSNP rs2482817384, ClinGen allele CA366108253.